The following is an entry in ClinVar:

NM_004168.4(SDHA):c.301G>T (p.Val101Phe)

Gene: SDHA (succinate dehydrogenase complex flavoprotein subunit A; plus strand). Cytogenetic location: 5p15.33.
Variant type: single nucleotide variant.
Coding change: c.301G>T on transcript NM_004168.4 (MANE Select); coding-DNA position 301, G replaced by T.
Protein change: p.Val101Phe; replaces valine 101 with phenylalanine.
Molecular consequence: missense variant.
Genome position (GRCh38, 1-based): chr5:224,510, G>T. VCF-style: chr5-224510-G-T. GRCh37 (hg19) VCF-style: chr5-224625-G-T.
Other names: c.301G>T, p.Val101Phe (NM_001294332.2, NM_001330758.2); short protein forms V101F.
Identifiers: ClinVar variation 1798906 (VCV001798906.5), dbSNP rs2126543351, ClinGen allele CA359008675.

ClinVar aggregate classification (germline): Uncertain significance. Review status: criteria provided, multiple submitters, no conflicts (2 of 4 stars). 2 submissions from 2 submitters: Uncertain significance (2). Last evaluated 2023-10-16.

Conditions:
Mitochondrial complex II deficiency, nuclear type 1. Also called: SUCCINATE CoQ REDUCTASE DEFICIENCY. Identifiers: Orphanet 3208, MedGen C5700310, MONDO:0100294, OMIM 252011.
Pheochromocytoma/paraganglioma syndrome 5. Also called: Paragangliomas 5; SDHA-Related Hereditary Paraganglioma-Pheochromocytoma Syndrome. Identifiers: Orphanet 29072, MedGen C3279992, MONDO:0013602, OMIM 614165.
Hereditary cancer-predisposing syndrome. Also called: Tumor predisposition; Hereditary Cancer Syndrome; Hereditary neoplastic syndrome; Neoplastic Syndromes, Hereditary. Identifiers: Orphanet 140162, MedGen C0027672, MeSH D009386, MONDO:0015356.

Submissions (2):

Labcorp Genetics (formerly Invitae), Labcorp
Classification: Uncertain significance for Pheochromocytoma/paraganglioma syndrome 5; Mitochondrial complex II deficiency, nuclear type 1. Last evaluated: 2023-10-16. Review status: criteria provided, single submitter. Criteria: Invitae Variant Classification Sherloc (09022015). Collection method: clinical testing. Allele origin: germline.
Comment: This sequence change replaces valine, which is neutral and non-polar, with phenylalanine, which is neutral and non-polar, at codon 101 of the SDHA protein (p.Val101Phe). This variant is not present in population databases (gnomAD no frequency). This variant has not been reported in the literature in individuals affected with SDHA-related conditions. ClinVar contains an entry for this variant (Variation ID: 1798906). Advanced modeling of protein sequence and biophysical properties (such as structural, functional, and spatial information, amino acid conservation, physicochemical variation, residue mobility, and thermodynamic stability) has been performed at Invitae for this missense variant, however the output from this modeling did not meet the statistical confidence thresholds required to predict the impact of this variant on SDHA protein function. In summary, the available evidence is currently insufficient to determine the role of this variant in disease. Therefore, it has been classified as a Variant of Uncertain Significance.

Ambry Genetics
Classification: Uncertain significance for Hereditary cancer-predisposing syndrome. Last evaluated: 2022-06-28. Review status: criteria provided, single submitter. Criteria: Ambry Variant Classification Scheme 2023. Collection method: clinical testing. Allele origin: germline.
Comment: The p.V101F variant (also known as c.301G>T), located in coding exon 3 of the SDHA gene, results from a G to T substitution at nucleotide position 301. The valine at codon 101 is replaced by phenylalanine, an amino acid with highly similar properties. This amino acid position is conserved. In addition, this alteration is predicted to be deleterious by in silico analysis. Since supporting evidence is limited at this time, the clinical significance of this alteration remains unclear.